The following is an entry in ClinVar:

NM_020928.2(ZSWIM6):c.1838-189A>C

Gene: ZSWIM6 (zinc finger SWIM-type containing 6; plus strand). Cytogenetic location: 5q12.1.
Variant type: single nucleotide variant.
Coding change: c.1838-189A>C on transcript NM_020928.2 (MANE Select); 189 bases into the intron before coding-DNA position 1838, A replaced by C.
Molecular consequence: intron variant.
Genome position (GRCh38, 1-based): chr5:61,529,863, A>C. VCF-style: chr5-61529863-A-C. GRCh37 (hg19) VCF-style: chr5-60825690-A-C.
Identifiers: ClinVar variation 4886699 (VCV004886699.2).

ClinVar aggregate classification (germline): Uncertain significance (1 of 4 stars; one submission).

Submission:

Dasa
Classification: Uncertain significance. Last evaluated: 2026-04-08. Review status: criteria provided, single submitter. Criteria: DASA Assertion Criteria. Collection method: clinical testing. Allele origin: germline.
Comment: NM_020928.2(ZSWIM6):c.1838-189A>C is an intronic variant. This variant is rare in population databases. The currently available literature and clinical evidence are not sufficient to establish a definitive association between this variant and the reported condition. Therefore, this variant is classified as a variant of uncertain significance.